The following is an entry in ClinVar:

ClinVar aggregate classification (germline): Conflicting classifications of pathogenicity. Review status: criteria provided, conflicting classifications (1 of 4 stars). 8 submissions from 8 submitters: Uncertain significance (6); Benign (1). 1 of the submissions does not count toward it. Last evaluated 2026-02-01.

Conditions:
Thrombocytopenia 2 (THC2). Also called: ANKRD26-Related Thrombocytopenia. Identifiers: Orphanet 268322, MedGen C1861185, MONDO:0008555, OMIM 188000.
Inborn genetic diseases. Identifiers: MedGen C0950123, MeSH D030342.

Allele frequency attached by ClinVar (database versions not stated): gnomAD 0.00010; gnomAD exomes 0.00012 and 0.00013; ExAC 0.00025; ESP Exome Variant Server 0.00009; TOPMed 0.00017.
gnomAD v4.1: 165 of 1,424,796 alleles (0.012%); highest among the groups gnomAD compares: Middle Eastern, 0.043%; 1 homozygote.

Submissions (8):

Labcorp Genetics (formerly Invitae), Labcorp
Classification: Uncertain significance. Last evaluated: 2026-02-01. Review status: criteria provided, single submitter. Criteria: Invitae Variant Classification Sherloc (09022015). Collection method: clinical testing. Allele origin: germline.
Comment: This sequence change replaces asparagine, which is neutral and polar, with aspartic acid, which is acidic and polar, at codon 669 of the ANKRD26 protein (p.Asn669Asp). This variant is present in population databases (rs368602859, gnomAD 0.02%). This variant has not been reported in the literature in individuals affected with ANKRD26-related conditions. ClinVar contains an entry for this variant (Variation ID: 877274). An algorithm developed to predict the effect of missense changes on protein structure and function outputs the following: PolyPhen-2: "Benign". The aspartic acid amino acid residue is found in multiple mammalian species, which suggests that this missense change does not adversely affect protein function. In summary, the available evidence is currently insufficient to determine the role of this variant in disease. Therefore, it has been classified as a Variant of Uncertain Significance.

Blueprint Genetics
Classification: Uncertain significance. Last evaluated: 2024-10-17. Review status: criteria provided, single submitter. Criteria: ACMG Guidelines, 2015. Collection method: clinical testing. Allele origin: germline.

Ambry Genetics
Classification: Uncertain significance for Inborn genetic diseases. Last evaluated: 2024-10-05. Review status: criteria provided, single submitter. Criteria: Ambry Variant Classification Scheme 2023. Collection method: clinical testing. Allele origin: germline.
Comment: The p.N669D variant (also known as c.2005A>G), located in coding exon 19 of the ANKRD26 gene, results from an A to G substitution at nucleotide position 2005. The asparagine at codon 669 is replaced by aspartic acid, an amino acid with highly similar properties. This amino acid position is conserved. In addition, this alteration is predicted to be tolerated by in silico analysis. Based on the available evidence, the clinical significance of this variant remains unclear.

GeneDx
Classification: Uncertain significance. Last evaluated: 2024-07-24. Review status: criteria provided, single submitter. Criteria: GeneDx Variant Classification Process June 2021. Collection method: clinical testing. Allele origin: germline. Affected: yes.
Comment: In silico analysis supports that this missense variant has a deleterious effect on protein structure/function; Has not been previously published as pathogenic or benign to our knowledge

St. Jude Molecular Pathology, St. Jude Children's Research Hospital
Classification: Uncertain significance for Thrombocytopenia 2. Last evaluated: 2024-01-29. Review status: criteria provided, single submitter. Criteria: St. Jude Assertion Criteria 2020. Collection method: clinical testing. Allele origin: germline.
Comment: The ANKRD26 c.2005A>G (p.Asn669Asp) missense change has a maximum subpopulation frequency of 0.023% in gnomAD v2.1.1. This variant is not located in the 5' UTR. The in silico tool REVEL predicts a benign effect on protein function, but to our knowledge this prediction has not been confirmed by functional studies. To our knowledge, this variant has not been reported in individuals with ANKRD26-related thrombocytopenia. In summary, the evidence currently available is insufficient to determine the clinical significance of this variant. It has therefore been classified as of uncertain significance.

Genetic Services Laboratory, University of Chicago
Classification: Uncertain significance. Last evaluated: 2020-02-03. Review status: criteria provided, single submitter. Criteria: ACMG Guidelines, 2015. Collection method: clinical testing. Allele origin: germline. Affected: no.
Comment: DNA sequence analysis of the ANKRD26 gene demonstrated a sequence change, c.2005A>G, in exon 19 that results in an amino acid change, p.Asn669Asp. This sequence change does not appear to have been previously described in patients with ANKRD26-related disorders and has been described in the gnomAD database with a low population frequency of 0.023% in non-Finnish European subpopulation (dbSNP rs368602859). The p.Asn669Asp change affects a poorly conserved amino acid residue located in a domain of the ANKRD26 protein that is not known to be functional. The p.Asn669Asp substitution appears to be benign using several in-silico pathogenicity prediction tools (SIFT, PolyPhen2, Align GVGD, REVEL). Due to these contrasting evidences and the lack of functional studies, the clinical significance of the p.Asn669Asp change remains unknown at this time.

Illumina Laboratory Services, Illumina
Classification: Benign for Thrombocytopenia 2. Last evaluated: 2018-01-13. Review status: criteria provided, single submitter. Criteria: ICSL Variant Classification Criteria 13 December 2019. Collection method: clinical testing. Allele origin: germline.
Comment: This variant was observed in the ICSL laboratory as part of a predisposition screen in an ostensibly healthy population. It had not been previously curated by ICSL or reported in the Human Gene Mutation Database (HGMD: prior to June 1st, 2018), and was therefore a candidate for classification through an automated scoring system. Utilizing variant allele frequency, disease prevalence and penetrance estimates, and inheritance mode, an automated score was calculated to assess if this variant is too frequent to cause the disease. Based on the score and internal cut-off values, a variant classified as benign is not then subjected to further curation. The score for this variant resulted in a classification of benign for this disease.

Zotz-Klimas Genetics Lab, MVZ Zotz Klimas
Classification: Uncertain significance for Thrombocytopenia 2. Last evaluated: 2023-10-30. Review status: no assertion criteria provided. Collection method: clinical testing. Allele origin: germline. Affected: yes. Not counted in ClinVar's aggregate classification.

NM_014915.3(ANKRD26):c.2005A>G (p.Asn669Asp)

Gene: ANKRD26 (ankyrin repeat domain 26; minus strand). Cytogenetic location: 10p12.1.
Variant type: single nucleotide variant.
Coding change: c.2005A>G on transcript NM_014915.3 (MANE Select); coding-DNA position 2005, A replaced by G.
Protein change: p.Asn669Asp; replaces asparagine 669 with aspartic acid.
Molecular consequence: missense variant.
Genome position (GRCh38, 1-based): chr10:27,044,171, T>C on the plus strand (A>G on the coding strand, the complement: ANKRD26 is on the minus strand). VCF-style: chr10-27044171-T-C. GRCh37 (hg19) VCF-style: chr10-27333100-T-C.
Other names: c.2002A>G, p.Asn668Asp (NM_001256053.2); short protein forms N668D, N669D.
Identifiers: ClinVar variation 877274 (VCV000877274.19), dbSNP rs368602859, ClinGen allele CA5448330.
Genomic context (GRCh38, chr10:27,044,171, plus strand): 5'-TGTATTTTTTTAAACAATAATTTTGATAATTTATTTTTTACAGTACCTTGTTCTTTTCAT[T>C]AGATGTTTTCTTAGTAGGCCTAAAAAAAAAAAATACCTTTCAGGCAAATAGTAAACATGT-3'
Protein context (NP_055730.2, residues 659-679): DEGRPTKKTS[Asn669Asp]EKNKVKNQIQ